The following is an entry in ClinVar:

ClinVar aggregate classification (germline): Uncertain significance (1 of 4 stars; one submission).

Allele frequency attached by ClinVar (database versions not stated): gnomAD exomes below 0.00001.
gnomAD v4.1: 1 of 1,613,646 alleles (0.000062%); highest among the groups gnomAD compares: East Asian, 0.0022%; no homozygotes.

Submission:

Labcorp Genetics (formerly Invitae), Labcorp
Classification: Uncertain significance. Last evaluated: 2022-02-24. Review status: criteria provided, single submitter. Criteria: Invitae Variant Classification Sherloc (09022015). Collection method: clinical testing. Allele origin: germline.
Comment: In summary, the available evidence is currently insufficient to determine the role of this variant in disease. Therefore, it has been classified as a Variant of Uncertain Significance. This variant has not been reported in the literature in individuals affected with PRPF3-related conditions. This variant is present in population databases (no rsID available, gnomAD 0.006%). This sequence change replaces proline, which is neutral and non-polar, with serine, which is neutral and polar, at codon 588 of the PRPF3 protein (p.Pro588Ser). Algorithms developed to predict the effect of missense changes on protein structure and function are either unavailable or do not agree on the potential impact of this missense change (SIFT: "Tolerated"; PolyPhen-2: "Probably Damaging"; Align-GVGD: "Class C0").

NM_004698.4(PRPF3):c.1762C>T (p.Pro588Ser)

Gene: PRPF3 (pre-mRNA processing factor 3; plus strand). Cytogenetic location: 1q21.2.
Variant type: single nucleotide variant.
Coding change: c.1762C>T on transcript NM_004698.4 (MANE Select); coding-DNA position 1762, C replaced by T.
Protein change: p.Pro588Ser; replaces proline 588 with serine.
Molecular consequence: missense variant. On other transcripts: non-coding transcript variant (4).
Genome position (GRCh38, 1-based): chr1:150,346,410, C>T. VCF-style: chr1-150346410-C-T. GRCh37 (hg19) VCF-style: chr1-150318886-C-T.
Other names: c.1357C>T, p.Pro453Ser (NM_001350529.1); short protein forms P453S, P588S.
Identifiers: ClinVar variation 1362502 (VCV001362502.8), dbSNP rs1553872958, ClinGen allele CA342284917.